The following is an entry in ClinVar:

ClinVar aggregate classification (germline): Conflicting classifications of pathogenicity. Review status: criteria provided, conflicting classifications (1 of 4 stars). 2 submissions from 2 submitters: Uncertain significance (1); Benign (1). Last evaluated 2024-08-28.

Allele frequency attached by ClinVar (database versions not stated): gnomAD exomes below 0.00001.

Submissions (2):

Women's Health and Genetics/Laboratory Corporation of America, LabCorp
Classification: Uncertain significance. Last evaluated: 2024-08-28. Review status: criteria provided, single submitter. Criteria: LabCorp Variant Classification Summary - May 2015. Collection method: clinical testing. Allele origin: germline.
Comment: Variant summary: KMT2E c.1270G>A (p.Gly424Arg) results in a non-conservative amino acid change located in the SET domain of the encoded protein sequence. Five of five in-silico tools predict a damaging effect of the variant on protein function. The variant allele was found at a frequency of 4.5e-06 in 220540 control chromosomes. The available data on variant occurrences in the general population are insufficient to allow any conclusion about variant significance. To our knowledge, no occurrence of c.1270G>A in individuals affected with O'Donnell-Luria-Rodan Syndrome and no experimental evidence demonstrating its impact on protein function have been reported. ClinVar contains an entry for this variant (Variation ID: 2742018). Based on the evidence outlined above, the variant was classified as uncertain significance.

Labcorp Genetics (formerly Invitae), Labcorp
Classification: Benign. Last evaluated: 2023-08-24. Review status: criteria provided, single submitter. Criteria: Invitae Variant Classification Sherloc (09022015). Collection method: clinical testing. Allele origin: germline.

NM_182931.3(KMT2E):c.1270G>A (p.Gly424Arg)

Gene: KMT2E (lysine methyltransferase 2E (inactive); plus strand). Cytogenetic location: 7q22.3.
Variant type: single nucleotide variant.
Coding change: c.1270G>A on transcript NM_182931.3 (MANE Select); coding-DNA position 1270, G replaced by A.
Protein change: p.Gly424Arg; replaces glycine 424 with arginine.
Molecular consequence: missense variant.
Genome position (GRCh38, 1-based): chr7:105,081,709, G>A. VCF-style: chr7-105081709-G-A. GRCh37 (hg19) VCF-style: chr7-104722156-G-A.
Other names: c.1270G>A, p.Gly424Arg (NM_001410908.1, NM_018682.4); short protein forms G424R.
Identifiers: ClinVar variation 2742018 (VCV002742018.4), dbSNP rs1473615786, ClinGen allele CA368781174.